The following is an entry in ClinVar:

ClinVar aggregate classification (germline): Benign/Likely benign. Review status: criteria provided, multiple submitters, no conflicts (2 of 4 stars). 5 submissions from 5 submitters: Benign (1); Likely benign (4). Last evaluated 2026-01-25.

Conditions:
T-B+ severe combined immunodeficiency due to JAK3 deficiency. Also called: SCID, autosomal recessive, T-negative/B-positive type; SCID, T CELL-NEGATIVE, B CELL-POSITIVE, NK CELL-NEGATIVE. Identifiers: Orphanet 35078, MedGen C1833275, MONDO:0010938, OMIM 600802.

Allele frequency attached by ClinVar (database versions not stated): gnomAD exomes 0.00009 and 0.00036; TOPMed 0.00028; ExAC 0.00032; gnomAD 0.00041; 1000 Genomes Project 30x 0.00078; 1000 Genomes Project 0.00100.
gnomAD v4.1: 229 of 1,614,062 alleles (0.014%); highest among the groups gnomAD compares: East Asian, 0.27%; 2 homozygotes.

Submissions (5):

Labcorp Genetics (formerly Invitae), Labcorp
Classification: Benign for T-B+ severe combined immunodeficiency due to JAK3 deficiency. Last evaluated: 2026-01-25. Review status: criteria provided, single submitter. Criteria: Invitae Variant Classification Sherloc (09022015). Collection method: clinical testing. Allele origin: germline.

Women's Health and Genetics/Laboratory Corporation of America, LabCorp
Classification: Likely benign. Last evaluated: 2024-12-06. Review status: criteria provided, single submitter. Criteria: LabCorp Variant Classification Summary - May 2015. Collection method: clinical testing. Allele origin: germline.

Blueprint Genetics
Classification: Likely benign. Last evaluated: 2024-11-07. Review status: criteria provided, single submitter. Criteria: ACMG Guidelines, 2015. Collection method: clinical testing. Allele origin: germline.

Illumina Laboratory Services, Illumina
Classification: Likely benign for T-B+ severe combined immunodeficiency due to JAK3 deficiency. Last evaluated: 2018-01-13. Review status: criteria provided, single submitter. Criteria: ICSL Variant Classification Criteria 13 December 2019. Collection method: clinical testing. Allele origin: germline.
Comment: This variant was observed in the ICSL laboratory as part of a predisposition screen in an ostensibly healthy population. It had not been previously curated by ICSL or reported in the Human Gene Mutation Database (HGMD: prior to June 1st, 2018), and was therefore a candidate for classification through an automated scoring system. Utilizing variant allele frequency, disease prevalence and penetrance estimates, and inheritance mode, an automated score was calculated to assess if this variant is too frequent to cause the disease. Based on the score and internal cut-off values, a variant classified as likely benign is not then subjected to further curation. The score for this variant resulted in a classification of likely benign for this disease.

Breakthrough Genomics
Classification: Likely benign. Review status: criteria provided, single submitter. Criteria: ACMG Guidelines, 2015. Collection method: not provided. Allele origin: germline. Inheritance: Autosomal recessive inheritance. Affected: yes.

Literature cited by the submitters: PubMed 16843266 (cited by Women's Health and Genetics/Laboratory Corporation of America, LabCorp); PubMed 17252020 (cited by Women's Health and Genetics/Laboratory Corporation of America, LabCorp); PubMed 23832011 (cited by Women's Health and Genetics/Laboratory Corporation of America, LabCorp); PubMed 22425895 (cited by Women's Health and Genetics/Laboratory Corporation of America, LabCorp); PubMed 25595890 (cited by Women's Health and Genetics/Laboratory Corporation of America, LabCorp); PubMed 22237106 (cited by Women's Health and Genetics/Laboratory Corporation of America, LabCorp); PubMed 24446122 (cited by Women's Health and Genetics/Laboratory Corporation of America, LabCorp).

NM_000215.4(JAK3):c.3300C>T (p.Ser1100=)

Gene: JAK3 (Janus kinase 3; minus strand). Cytogenetic location: 19p13.11.
Variant type: single nucleotide variant.
Coding change: c.3300C>T on transcript NM_000215.4 (MANE Select); coding-DNA position 3300, C replaced by T.
Protein change: p.Ser1100=; no amino-acid change (serine 1100 retained).
Molecular consequence: synonymous variant.
Genome position (GRCh38, 1-based): chr19:17,826,818, G>A on the plus strand (C>T on the coding strand, the complement: JAK3 is on the minus strand). VCF-style: chr19-17826818-G-A. GRCh37 (hg19) VCF-style: chr19-17937627-G-A.
Identifiers: ClinVar variation 532757 (VCV000532757.18), dbSNP rs201073968, ClinGen allele CA9301353.
Genomic context (GRCh38, chr19:17,826,818, plus strand): 5'-GGAGTGGTGTTTGCCCTCTGGGTGAGCAGTGAAGGCATGAGTCTCACACCCCCGGCTTCC[G>A]CTCCACAGCATGTCCAGCTGGGGGCCCAGGGCGCTGAATGATGGCCGGTCCTGTGGGCTA-3'
Protein context (NP_000206.2, residues 1090-1110): ALGPQLDMLW[Ser1100=]GSRGCETHAF